The following is an entry in ClinVar:

ClinVar aggregate classification (germline): Uncertain significance (1 of 4 stars; one submission).

Submission:

Labcorp Genetics (formerly Invitae), Labcorp
Classification: Uncertain significance. Last evaluated: 2024-11-28. Review status: criteria provided, single submitter. Criteria: Invitae Variant Classification Sherloc (09022015). Collection method: clinical testing. Allele origin: germline.
Comment: This sequence change replaces histidine, which is basic and polar, with aspartic acid, which is acidic and polar, at codon 3481 of the HMCN1 protein (p.His3481Asp). This variant is not present in population databases (gnomAD no frequency). This variant has not been reported in the literature in individuals affected with HMCN1-related conditions. An algorithm developed to predict the effect of missense changes on protein structure and function (PolyPhen-2) suggests that this variant is likely to be tolerated. In summary, the available evidence is currently insufficient to determine the role of this variant in disease. Therefore, it has been classified as a Variant of Uncertain Significance.

NM_031935.3(HMCN1):c.10441C>G (p.His3481Asp)

Gene: HMCN1 (hemicentin 1; plus strand). Cytogenetic location: 1q31.1.
Variant type: single nucleotide variant.
Coding change: c.10441C>G on transcript NM_031935.3 (MANE Select); coding-DNA position 10441, C replaced by G.
Protein change: p.His3481Asp; replaces histidine 3481 with aspartic acid.
Molecular consequence: missense variant.
Genome position (GRCh38, 1-based): chr1:186,095,389, C>G. VCF-style: chr1-186095389-C-G. GRCh37 (hg19) VCF-style: chr1-186064521-C-G.
Other names: short protein forms H3481D.
Identifiers: ClinVar variation 3684845 (VCV003684845.2).
Genomic context (GRCh38, chr1:186,095,389, plus strand): 5'-GGAACCCCAGCTCCCAGTATGGCCTGGCTTAGAGATGGCCAGCCTCTGGGGCTTGATGCC[C>G]ATCTGACAGTCAGCACCCATGGAATGGTCCTGCAGCTCCTCAAAGCAGAGACTGAAGATT-3'
Protein context (NP_114141.2, residues 3471-3491): RDGQPLGLDA[His3481Asp]LTVSTHGMVL